The following is an entry in ClinVar:

NM_002872.5(RAC2):c.224C>T (p.Thr75Met)

Gene: RAC2 (Rac family small GTPase 2; minus strand). Cytogenetic location: 22q13.1.
Variant type: single nucleotide variant.
Coding change: c.224C>T on transcript NM_002872.5 (MANE Select); coding-DNA position 224, C replaced by T.
Protein change: p.Thr75Met; replaces threonine 75 with methionine.
Molecular consequence: missense variant.
Genome position (GRCh38, 1-based): chr22:37,232,802, G>A on the plus strand (C>T on the coding strand, the complement: RAC2 is on the minus strand). VCF-style: chr22-37232802-G-A. GRCh37 (hg19) VCF-style: chr22-37628842-G-A.
Other names: short protein forms T75M.
Identifiers: ClinVar variation 3337507 (VCV003337507.2).

ClinVar aggregate classification (germline): Uncertain significance. Review status: criteria provided, multiple submitters, no conflicts (2 of 4 stars). 2 submissions from 2 submitters: Uncertain significance (2). Last evaluated 2025-03-05.

Conditions:
Neutrophil immunodeficiency syndrome. Also called: Immunodeficiency 73A with defective neutrophil chemotaxis and leukocytosis. Identifiers: Orphanet 183707, MedGen C1842398, MONDO:0011988, OMIM 608203.

gnomAD v4.1: 2 of 1,611,330 alleles (0.00012%); highest among the groups gnomAD compares: Non-Finnish European, 0.00017%; no homozygotes.

Submissions (2):

Labcorp Genetics (formerly Invitae), Labcorp
Classification: Uncertain significance for Neutrophil immunodeficiency syndrome. Last evaluated: 2025-03-05. Review status: criteria provided, single submitter. Criteria: Invitae Variant Classification Sherloc (09022015). Collection method: clinical testing. Allele origin: germline.
Comment: This sequence change replaces threonine, which is neutral and polar, with methionine, which is neutral and non-polar, at codon 75 of the RAC2 protein (p.Thr75Met). This variant is not present in population databases (gnomAD no frequency). This variant has not been reported in the literature in individuals affected with RAC2-related conditions. ClinVar contains an entry for this variant (Variation ID: 3337507). An algorithm developed to predict the effect of missense changes on protein structure and function (PolyPhen-2) suggests that this variant is likely to be disruptive. In summary, the available evidence is currently insufficient to determine the role of this variant in disease. Therefore, it has been classified as a Variant of Uncertain Significance.

Clinical Genetics Laboratory, Skane University Hospital Lund
Classification: Uncertain significance. Last evaluated: 2022-10-05. Review status: criteria provided, single submitter. Criteria: ACMG Guidelines, 2015. Collection method: clinical testing. Allele origin: germline. Affected: yes.